The following is an entry in ClinVar:

NM_001368809.2(AMPD2):c.1699-12G>T

Genes: AMPD2 (adenosine monophosphate deaminase 2; plus strand), LOC126805822 (BRD4-independent group 4 enhancer GRCh37_chr1:110170748-110171947; plus strand). Cytogenetic location: 1p13.3.
Variant type: single nucleotide variant.
Coding change: c.1699-12G>T on transcript NM_001368809.2 (MANE Select); 12 bases into the intron before coding-DNA position 1699, G replaced by T.
Molecular consequence: intron variant.
Genome position (GRCh38, 1-based): chr1:109,629,315, G>T. VCF-style: chr1-109629315-G-T. GRCh37 (hg19) VCF-style: chr1-110171937-G-T.
Other names: c.1618-12G>T (NM_139156.4); c.1636-12G>T (NM_001308170.1); c.1699-12G>T (NM_004037.9); c.1507-12G>T (NM_001257361.2); c.1861-12G>T (NM_001257360.1).
Identifiers: ClinVar variation 1602961 (VCV001602961.10), dbSNP rs372637186, ClinGen allele CA993172.

ClinVar aggregate classification (germline): Likely benign. Review status: criteria provided, multiple submitters, no conflicts (2 of 4 stars). 3 submissions from 3 submitters: Likely benign (2). 1 of the submissions does not count toward it. Last evaluated 2026-01-20.

Conditions:
Pontocerebellar hypoplasia type 9. Identifiers: Orphanet 369920, MedGen C4014354, MONDO:0014351, OMIM 615809.
Hereditary spastic paraplegia 63. Also called: Spastic paraplegia 63, autosomal recessive. Identifiers: Orphanet 401805, MedGen C3810295, MONDO:0014305, OMIM 615686.
AMPD2-related disorder. Also called: AMPD2-related condition.

Allele frequency attached by ClinVar (database versions not stated): TOPMed 0.00028; ExAC 0.00010; ESP Exome Variant Server 0.00046; gnomAD exomes 0.00007 and 0.00010; gnomAD 0.00034; 1000 Genomes Project 0.00080; 1000 Genomes Project 30x 0.00062.

Submissions (3):

Labcorp Genetics (formerly Invitae), Labcorp
Classification: Likely benign for Pontocerebellar hypoplasia type 9; Hereditary spastic paraplegia 63. Last evaluated: 2026-01-20. Review status: criteria provided, single submitter. Criteria: Invitae Variant Classification Sherloc (09022015). Collection method: clinical testing. Allele origin: germline.

Breakthrough Genomics
Classification: Likely benign. Review status: criteria provided, single submitter. Criteria: ACMG Guidelines, 2015. Collection method: not provided. Allele origin: germline. Inheritance: Autosomal recessive inheritance. Affected: yes.

PreventionGenetics, part of Exact Sciences
Classification: Likely benign for AMPD2-related condition. Last evaluated: 2024-08-19. Review status: no assertion criteria provided. Collection method: clinical testing. Allele origin: germline. Not counted in ClinVar's aggregate classification.
Comment: This variant is classified as likely benign based on ACMG/AMP sequence variant interpretation guidelines (Richards et al. 2015 PMID: 25741868, with internal and published modifications).